The following is an entry in ClinVar:

NM_017780.4(CHD7):c.4187C>T (p.Ala1396Val)

Gene: CHD7 (chromodomain helicase DNA binding protein 7; plus strand). Cytogenetic location: 8q12.2.
Variant type: single nucleotide variant.
Coding change: c.4187C>T on transcript NM_017780.4 (MANE Select); coding-DNA position 4187, C replaced by T.
Protein change: p.Ala1396Val; replaces alanine 1396 with valine.
Molecular consequence: missense variant. On other transcripts: intron variant (1).
Genome position (GRCh38, 1-based): chr8:60,837,669, C>T. VCF-style: chr8-60837669-C-T. GRCh37 (hg19) VCF-style: chr8-61750228-C-T.
Other names: c.1717-24560C>T (NM_001316690.1); short protein forms A1396V.
Identifiers: ClinVar variation 1738535 (VCV001738535.2), dbSNP rs2487910088, ClinGen allele CA371317645.

ClinVar aggregate classification (germline): Uncertain significance (1 of 4 stars; one submission).

Conditions:
Inborn genetic diseases. Identifiers: MedGen C0950123, MeSH D030342.

Submission:

Ambry Genetics
Classification: Uncertain significance for Inborn genetic diseases. Last evaluated: 2018-01-10. Review status: criteria provided, single submitter. Criteria: Ambry Variant Classification Scheme 2023. Collection method: clinical testing. Allele origin: germline.
Comment: The p.A1396V variant (also known as c.4187C>T), located in coding exon 17 of the CHD7 gene, results from a C to T substitution at nucleotide position 4187. The alanine at codon 1396 is replaced by valine, an amino acid with similar properties. This amino acid position is highly conserved in available vertebrate species. In addition, this alteration is predicted to be deleterious by in silico analysis. Since supporting evidence is limited at this time, the clinical significance of this alteration remains unclear.